The following is an entry in ClinVar:

ClinVar aggregate classification (germline): Uncertain significance (1 of 4 stars; one submission).

Conditions:
TBX3-related disorder. Also called: TBX3-related condition.

gnomAD v4.1: 22 of 1,514,628 alleles (0.0015%); highest among the groups gnomAD compares: Non-Finnish European, 0.0019%; no homozygotes.

Submission:

PreventionGenetics, part of Exact Sciences
Classification: Uncertain significance for TBX3-related condition. Last evaluated: 2026-09-02. Review status: criteria provided, single submitter. Criteria: ACMG Guidelines, 2015. Collection method: clinical testing. Allele origin: germline.
Comment: The TBX3 c.1432G>A variant is predicted to result in the amino acid substitution p.Ala478Thr. To our knowledge, this variant has not been reported in the literature or in a large population database (gnomAD), indicating this variant is rare. At this time, the clinical significance of this variant is uncertain due to the absence of conclusive functional and genetic evidence.

NM_005996.4(TBX3):c.1372G>A (p.Ala458Thr)

Gene: TBX3 (T-box transcription factor 3; minus strand). Cytogenetic location: 12q24.21.
Variant type: single nucleotide variant.
Coding change: c.1372G>A on transcript NM_005996.4 (MANE Select); coding-DNA position 1372, G replaced by A.
Protein change: p.Ala458Thr; replaces alanine 458 with threonine.
Molecular consequence: missense variant.
Genome position (GRCh38, 1-based): chr12:114,674,503, C>T on the plus strand (G>A on the coding strand, the complement: TBX3 is on the minus strand). VCF-style: chr12-114674503-C-T. GRCh37 (hg19) VCF-style: chr12-115112308-C-T.
Other names: c.1432G>A, p.Ala478Thr (NM_016569.4); short protein forms A478T, A458T.
Identifiers: ClinVar variation 4989898 (VCV004989898.1).